The following is an entry in ClinVar:

NM_001384474.1(LOXHD1):c.2037G>A (p.Ala679=)

Gene: LOXHD1 (lipoxygenase homology PLAT domains 1; minus strand). Cytogenetic location: 18q21.1.
Variant type: single nucleotide variant.
Coding change: c.2037G>A on transcript NM_001384474.1 (MANE Select); coding-DNA position 2037, G replaced by A.
Protein change: p.Ala679=; no amino-acid change (alanine 679 retained).
Molecular consequence: synonymous variant.
Genome position (GRCh38, 1-based): chr18:46,572,096, C>T on the plus strand (G>A on the coding strand, the complement: LOXHD1 is on the minus strand). VCF-style: chr18-46572096-C-T. GRCh37 (hg19) VCF-style: chr18-44152059-C-T.
Other names: p.Ala679Ala; c.2037G>A, p.Ala679= (NM_144612.7).
Identifiers: ClinVar variation 514556 (VCV000514556.16), dbSNP rs201226222, ClinGen allele CA8952721.
Genomic context (GRCh38, chr18:46,572,096, plus strand): 5'-CCCTGTCTCACCAAGGGCACACCCAGCACCTGGTCATCAGGACAACTCACTCTTCAGTGT[C>T]GCGCTGCTGTCACTGGGTAGCAACTCTCGGACCAGCTGCCCATCATCCTTATCCTTGTCC-3'
Protein context (NP_001371403.1, residues 669-689): VRELLPSDSS[Ala679=]TLKNFRYHIS

ClinVar aggregate classification (germline): Likely benign. Review status: criteria provided, multiple submitters, no conflicts (2 of 4 stars). 4 submissions from 4 submitters: Likely benign (4). Last evaluated 2026-01-25.

Conditions:
LOXHD1-related disorder. Also called: LOXHD1-related condition.

Allele frequency attached by ClinVar (database versions not stated): gnomAD exomes 0.00004 and 0.00025; gnomAD 0.00006 and 0.00008; ExAC 0.00009; TOPMed 0.00017.
gnomAD v4.1: 66 of 1,551,792 alleles (0.0043%); highest among the groups gnomAD compares: Admixed American, 0.096%; no homozygotes.

Submissions (4):

Labcorp Genetics (formerly Invitae), Labcorp
Classification: Likely benign. Last evaluated: 2026-01-25. Review status: criteria provided, single submitter. Criteria: Invitae Variant Classification Sherloc (09022015). Collection method: clinical testing. Allele origin: germline.

PreventionGenetics, part of Exact Sciences
Classification: Likely benign for LOXHD1-related condition. Last evaluated: 2025-03-17. Review status: criteria provided, single submitter. Criteria: ACMG Guidelines, 2015. Collection method: clinical testing. Allele origin: germline.
Comment: This variant is classified as likely benign based on ACMG/AMP sequence variant interpretation guidelines (Richards et al. 2015 PMID: 25741868, with internal and published modifications).

GeneDx
Classification: Likely benign. Last evaluated: 2018-01-12. Review status: criteria provided, single submitter. Criteria: GeneDx Variant Classification (06012015). Collection method: clinical testing. Allele origin: germline. Affected: yes.
Comment: This variant is considered likely benign or benign based on one or more of the following criteria: it is a conservative change, it occurs at a poorly conserved position in the protein, it is predicted to be benign by multiple in silico algorithms, and/or has population frequency not consistent with disease.

Laboratory for Molecular Medicine, Mass General Brigham Personalized Medicine
Classification: Likely benign. Last evaluated: 2017-08-23. Review status: criteria provided, single submitter. Criteria: LMM Criteria. Collection method: clinical testing. Allele origin: germline. Observed: 1 variant allele.
Comment: p.Ala679Ala in exon 15 of LOXHD1: This variant is not expected to have clinical significance because it does not alter an amino acid residue and is not located within the splice consensus sequence. It has been identified in 1/7908 South Asi an chromosomes by the Exome Aggregation Consortium (ExAC; dbSNP rs201226222).